The following is an entry in ClinVar:

NM_007294.4(BRCA1):c.5494G>C (p.Val1832Leu)

Gene: BRCA1 (BRCA1 DNA repair associated; minus strand). Cytogenetic location: 17q21.31.
Variant type: single nucleotide variant.
Coding change: c.5494G>C on transcript NM_007294.4 (MANE Select); coding-DNA position 5494, G replaced by C.
Protein change: p.Val1832Leu; replaces valine 1832 with leucine.
Molecular consequence: missense variant. On other transcripts: 3 prime UTR variant (1), non-coding transcript variant (1).
Genome position (GRCh38, 1-based): chr17:43,045,776, C>G on the plus strand (G>C on the coding strand, the complement: BRCA1 is on the minus strand). VCF-style: chr17-43045776-C-G. GRCh37 (hg19) VCF-style: chr17-41197793-C-G.
Other names: c.1972G>C, p.Val658Leu (NM_001408484.1, NM_001408485.1, NM_001408489.1 and 5 more transcripts); c.1969G>C, p.Val657Leu (NM_001408492.1, NM_001408493.1); c.1945G>C, p.Val649Leu (NM_001408494.1); c.1939G>C, p.Val647Leu (NM_001408495.1); c.1921G>C, p.Val641Leu (NM_001408496.1, NM_001408497.1, NM_001408498.1 and 3 more transcripts); c.5491G>C, p.Val1831Leu (NM_001407622.1, NM_001407623.1, NM_001407624.1 and 14 more transcripts); c.5488G>C, p.Val1830Leu (NM_001407627.1, NM_001407628.1, NM_001407629.1 and 13 more transcripts); c.5410G>C, p.Val1804Leu (NM_001407663.1, NM_001407659.1, NM_001407660.1 and 2 more transcripts); and 74 more; short protein forms V728L, V1832L, V1853L, V1785L, V1535L, V1721L, V1742L, V1762L.
Identifiers: ClinVar variation 868592 (VCV000868592.3), dbSNP rs2050882095, ClinGen allele CA10590318.
Genomic context (GRCh38, chr17:43,045,776, plus strand): 5'-TGTCCAGCTCCTGGCACTGGTAGAGTGCTACACTGTCCAACACCCACTCTCGGGTCACCA[C>G]AGGTGCCTCACACATCTGCCCAATTGCTGGAGACAGAGAACACAAGCAGAGATTAGTGTC-3'
Protein context (NP_009225.1, residues 1822-1842): HAIGQMCEAP[Val1832Leu]VTREWVLDSV

Conditions:
Breast-ovarian cancer, familial, susceptibility to, 1 (BROVCA1). Also called: BRCA1 Hereditary Breast and Ovarian Cancer; OVARIAN CANCER, SUSCEPTIBILITY TO. Identifiers: Orphanet 145, MedGen C2676676, MONDO:0011450, OMIM 604370. Disease mechanism: loss of function.

Submission:

Brotman Baty Institute, University of Washington
No classification provided (evidence only). Condition: Breast-ovarian cancer, familial 1. Review status: no classification provided. Collection method: in vitro. Allele origin: not applicable. Functional consequence: functionally_normal.
ClinVar note: "not provided" was previously submitted as the classification for the variant. However, the classification appeared to be based only on an observation of functional data so it was converted to no classification on 2025-07-30.